The following is an entry in ClinVar:

ClinVar aggregate classification (germline): Uncertain significance (1 of 4 stars; one submission).

Conditions:
Baraitser-Winter syndrome 1 (BRWS1). Also called: BARAITSER-WINTER SYNDROME 1, ATYPICAL; PACHYGYRIA, MENTAL RETARDATION, EPILEPSY, AND CHARACTERISTIC FACIES; MENTAL RETARDATION WITH EPILEPSY AND CHARACTERISTIC FACIES; Cerebrofrontofacial syndrome. Identifiers: Orphanet 2649, Orphanet 2995, MedGen C1855722, MONDO:0009470, OMIM 243310.

Submission:

Labcorp Genetics (formerly Invitae), Labcorp
Classification: Uncertain significance for Baraitser-Winter syndrome 1. Last evaluated: 2024-05-06. Review status: criteria provided, single submitter. Criteria: Invitae Variant Classification Sherloc (09022015). Collection method: clinical testing. Allele origin: germline.
Comment: This sequence change replaces valine, which is neutral and non-polar, with leucine, which is neutral and non-polar, at codon 219 of the ACTB protein (p.Val219Leu). This variant is not present in population databases (gnomAD no frequency). This variant has not been reported in the literature in individuals affected with ACTB-related conditions. Advanced modeling of protein sequence and biophysical properties (such as structural, functional, and spatial information, amino acid conservation, physicochemical variation, residue mobility, and thermodynamic stability) performed at Invitae indicates that this missense variant is not expected to disrupt ACTB protein function with a negative predictive value of 80%. In summary, the available evidence is currently insufficient to determine the role of this variant in disease. Therefore, it has been classified as a Variant of Uncertain Significance.

NM_001101.5(ACTB):c.655G>C (p.Val219Leu)

Gene: ACTB (actin beta; minus strand). Cytogenetic location: 7p22.1.
Variant type: single nucleotide variant.
Coding change: c.655G>C on transcript NM_001101.5 (MANE Select); coding-DNA position 655, G replaced by C.
Protein change: p.Val219Leu; replaces valine 219 with leucine.
Molecular consequence: missense variant.
Genome position (GRCh38, 1-based): chr7:5,528,428, C>G on the plus strand (G>C on the coding strand, the complement: ACTB is on the minus strand). VCF-style: chr7-5528428-C-G. GRCh37 (hg19) VCF-style: chr7-5568059-C-G.
Other names: short protein forms V219L.
Identifiers: ClinVar variation 3670579 (VCV003670579.2).